The following is an entry in ClinVar:

NM_031443.4(CCM2):c.665C>T (p.Thr222Met)

Gene: CCM2 (CCM2 scaffold protein; plus strand). Cytogenetic location: 7p13.
Variant type: single nucleotide variant.
Coding change: c.665C>T on transcript NM_031443.4 (MANE Select); coding-DNA position 665, C replaced by T.
Protein change: p.Thr222Met; replaces threonine 222 with methionine.
Molecular consequence: missense variant. On other transcripts: non-coding transcript variant (1), intron variant (1).
Genome position (GRCh38, 1-based): chr7:45,069,881, C>T. VCF-style: chr7-45069881-C-T. GRCh37 (hg19) VCF-style: chr7-45109480-C-T.
Other names: c.665C>T (NM_031443.3); c.728C>T, p.Thr243Met (NM_001029835.2); c.491C>T, p.Thr164Met (NM_001167934.2, NM_001363459.2); c.665C>T, p.Thr222Met (NM_001363458.2); c.473-2845C>T (NM_001167935.2); short protein forms T222M, T243M, T164M.
Identifiers: ClinVar variation 1501181 (VCV001501181.13), dbSNP rs370245890, ClinGen allele CA4247056.

ClinVar aggregate classification (germline): Conflicting classifications of pathogenicity. Review status: criteria provided, conflicting classifications (1 of 4 stars). 4 submissions from 4 submitters: Uncertain significance (3); Likely benign (1). Last evaluated 2025-10-07.

Conditions:
Inborn genetic diseases. Identifiers: MedGen C0950123, MeSH D030342.
Cerebral cavernous malformation 2. Also called: Familial Cerebral Cavernous Malformation 2. Identifiers: Orphanet 221061, MedGen C1864041, MONDO:0011304, OMIM 603284.

Allele frequency attached by ClinVar (database versions not stated): TOPMed 0.00006; ESP Exome Variant Server 0.00023; gnomAD exomes 0.00005 and 0.00009; gnomAD 0.00005 and 0.00006; ExAC 0.00006.
gnomAD v4.1: 141 of 1,614,084 alleles (0.0087%); highest among the groups gnomAD compares: Non-Finnish European, 0.011%; no homozygotes.

Submissions (4):

Labcorp Genetics (formerly Invitae), Labcorp
Classification: Uncertain significance for Cerebral cavernous malformation 2. Last evaluated: 2025-10-07. Review status: criteria provided, single submitter. Criteria: Invitae Variant Classification Sherloc (09022015). Collection method: clinical testing. Allele origin: germline.
Comment: This sequence change replaces threonine, which is neutral and polar, with methionine, which is neutral and non-polar, at codon 222 of the CCM2 protein (p.Thr222Met). This variant is present in population databases (rs370245890, gnomAD 0.009%). This variant has not been reported in the literature in individuals affected with CCM2-related conditions. ClinVar contains an entry for this variant (Variation ID: 1501181). Invitae Evidence Modeling of protein sequence and biophysical properties (such as structural, functional, and spatial information, amino acid conservation, physicochemical variation, residue mobility, and thermodynamic stability) indicates that this missense variant is not expected to disrupt CCM2 protein function with a negative predictive value of 80%. In summary, the available evidence is currently insufficient to determine the role of this variant in disease. Therefore, it has been classified as a Variant of Uncertain Significance.

Clinical Genomics Laboratory, Washington University in St. Louis
Classification: Uncertain significance for Cerebral cavernous malformation 2. Last evaluated: 2025-04-07. Review status: criteria provided, single submitter. Criteria: ACMG Guidelines, 2015. Collection method: clinical testing. Allele origin: germline.
Comment: A CCM2 c.665C>T (p.Thr222Met) variant was identified at a near heterozygous allelic fraction of 48.5%, a frequency which may be consistent with germline origin. This variant, to our knowledge, has not been reported in the medical literature. It is observed on 141/1,614,084 alleles in the general population (gnomAD v.4.1.0). This variant has been reported in the ClinVar database as a germline variant of uncertain significance by two submitters and a germline likely benign variant by one submitter (ClinVar variation ID: 1501181). Computational predictors are uncertain as to the impact of this variant on CCM2 function. Due to limited information, and based on ACMG/AMP guidelines for variant interpretation (Richards S et al., PMID: 25741868), the clinical significance of this variant is uncertain at this time.

GeneDx
Classification: Uncertain significance. Last evaluated: 2025-01-16. Review status: criteria provided, single submitter. Criteria: GeneDx Variant Classification Process June 2021. Collection method: clinical testing. Allele origin: germline.
Comment: In silico analysis supports that this missense variant has a deleterious effect on protein structure/function; Has not been previously published as pathogenic or benign to our knowledge

Ambry Genetics
Classification: Likely benign for Inborn genetic diseases. Last evaluated: 2023-07-20. Review status: criteria provided, single submitter. Criteria: Ambry Variant Classification Scheme 2023. Collection method: clinical testing. Allele origin: germline.